The following is an entry in ClinVar:

NM_020778.5(ALPK3):c.5075C>G (p.Pro1692Arg)

Gene: ALPK3 (alpha kinase 3; plus strand). Cytogenetic location: 15q25.3.
Variant type: single nucleotide variant.
Coding change: c.5075C>G on transcript NM_020778.5 (MANE Select); coding-DNA position 5075, C replaced by G.
Protein change: p.Pro1692Arg; replaces proline 1692 with arginine.
Molecular consequence: missense variant.
Genome position (GRCh38, 1-based): chr15:84,868,413, C>G. VCF-style: chr15-84868413-C-G. GRCh37 (hg19) VCF-style: chr15-85411644-C-G.
Other names: short protein forms P1692R.
Identifiers: ClinVar variation 1749037 (VCV001749037.8), dbSNP rs2505733834, ClinGen allele CA393366417.

ClinVar aggregate classification (germline): Uncertain significance. Review status: criteria provided, multiple submitters, no conflicts (2 of 4 stars). 2 submissions from 2 submitters: Uncertain significance (2). Last evaluated 2025-03-15.

Conditions:
Cardiovascular phenotype. Identifiers: MedGen CN230736.

Submissions (2):

Labcorp Genetics (formerly Invitae), Labcorp
Classification: Uncertain significance. Last evaluated: 2025-03-15. Review status: criteria provided, single submitter. Criteria: Invitae Variant Classification Sherloc (09022015). Collection method: clinical testing. Allele origin: germline.
Comment: This sequence change replaces proline, which is neutral and non-polar, with arginine, which is basic and polar, at codon 1894 of the ALPK3 protein (p.Pro1894Arg). This variant is not present in population databases (gnomAD no frequency). This variant has not been reported in the literature in individuals affected with ALPK3-related conditions. ClinVar contains an entry for this variant (Variation ID: 1749037). Invitae Evidence Modeling of protein sequence and biophysical properties (such as structural, functional, and spatial information, amino acid conservation, physicochemical variation, residue mobility, and thermodynamic stability) indicates that this missense variant is expected to disrupt ALPK3 protein function with a positive predictive value of 80%. In summary, the available evidence is currently insufficient to determine the role of this variant in disease. Therefore, it has been classified as a Variant of Uncertain Significance.

Ambry Genetics
Classification: Uncertain significance for Cardiovascular phenotype. Last evaluated: 2025-01-28. Review status: criteria provided, single submitter. Criteria: Ambry Variant Classification Scheme 2023. Collection method: clinical testing. Allele origin: germline.
Comment: The p.P1894R variant (also known as c.5681C>G), located in coding exon 14 of the ALPK3 gene, results from a C to G substitution at nucleotide position 5681. The proline at codon 1894 is replaced by arginine, an amino acid with dissimilar properties. This amino acid position is conserved. In addition, this alteration is predicted to be tolerated by in silico analysis. Since supporting evidence is limited at this time, the clinical significance of this alteration remains unclear.